The following is an entry in ClinVar:

NM_001282225.2(ADA2):c.702G>A (p.Glu234=)

Gene: ADA2 (adenosine deaminase 2; minus strand). Cytogenetic location: 22q11.1.
Variant type: single nucleotide variant.
Coding change: c.702G>A on transcript NM_001282225.2 (MANE Select); coding-DNA position 702, G replaced by A.
Protein change: p.Glu234=; no amino-acid change (glutamic acid 234 retained).
Molecular consequence: synonymous variant.
Genome position (GRCh38, 1-based): chr22:17,203,614, C>T on the plus strand (G>A on the coding strand, the complement: ADA2 is on the minus strand). VCF-style: chr22-17203614-C-T. GRCh37 (hg19) VCF-style: chr22-17684504-C-T.
Other names: c.702G>A, p.Glu234= (NM_001282226.2); c.576G>A, p.Glu192= (NM_001282227.2, NM_001282228.2); c.342G>A, p.Glu114= (NM_001282229.2).
Identifiers: ClinVar variation 1454072 (VCV001454072.34), dbSNP rs528271447, ClinGen allele CA10088156.

ClinVar aggregate classification (germline): Likely benign. Review status: criteria provided, multiple submitters, no conflicts (2 of 4 stars). 4 submissions from 4 submitters: Likely benign (4). Last evaluated 2026-01-02.

Conditions:
Deficiency of adenosine deaminase 2. Also called: Polyarteritis nodosa, childhoood-onset; Adenosine Deaminase 2 Deficiency; VASCULITIS, AUTOINFLAMMATION, IMMUNODEFICIENCY, AND HEMATOLOGIC DEFECTS SYNDROME. Identifiers: Orphanet 404553, MedGen C3887654, MONDO:0014306, OMIM 615688, MONDO:0100317.
Sneddon syndrome (SNDNS). Also called: LIVEDO RETICULARIS AND CEREBROVASCULAR ACCIDENTS; Idiopathic livedo reticularis with systemic involvement. Identifiers: Orphanet 820, MedGen C0282492, MONDO:0008436, OMIM 182410.

Allele frequency attached by ClinVar (database versions not stated): gnomAD 0.00005; ExAC 0.00015; 1000 Genomes Project 0.00020; 1000 Genomes Project 30x 0.00047.
gnomAD v4.1: 270 of 1,613,722 alleles (0.017%); highest among the groups gnomAD compares: South Asian, 0.027%; no homozygotes.

Submissions (4):

Labcorp Genetics (formerly Invitae), Labcorp
Classification: Likely benign for Deficiency of adenosine deaminase 2. Last evaluated: 2026-01-02. Review status: criteria provided, single submitter. Criteria: Invitae Variant Classification Sherloc (09022015). Collection method: clinical testing. Allele origin: germline.

CeGaT Center for Human Genetics Tuebingen
Classification: Likely benign. Last evaluated: 2026-01-01. Review status: criteria provided, single submitter. Criteria: CeGaT Center For Human Genetics Tuebingen Variant Classification Criteria Version 2. Collection method: clinical testing. Allele origin: germline. Affected: yes. Observed: 5 variant alleles.
Comment: ADA2: BP4, BP7

Blueprint Genetics
Classification: Likely benign. Last evaluated: 2024-09-05. Review status: criteria provided, single submitter. Criteria: ACMG Guidelines, 2015. Collection method: clinical testing. Allele origin: germline.

Fulgent Genetics
Classification: Likely benign for Sneddon syndrome; Deficiency of adenosine deaminase 2. Last evaluated: 2022-02-04. Review status: criteria provided, single submitter. Criteria: ACMG Guidelines, 2015. Collection method: clinical testing. Allele origin: unknown.